The following is an entry in ClinVar:

ClinVar aggregate classification (germline): Uncertain significance (1 of 4 stars; one submission).

Conditions:
DICER1-related tumor predisposition. Also called: DICER1-related pleuropulmonary blastoma cancer predisposition syndrome; DICER1 syndrome. Identifiers: Orphanet 284343, MedGen C3839822, MONDO:0100216.

Submission:

Labcorp Genetics (formerly Invitae), Labcorp
Classification: Uncertain significance for DICER1-related tumor predisposition. Last evaluated: 2026-01-04. Review status: criteria provided, single submitter. Criteria: Invitae Variant Classification Sherloc (09022015). Collection method: clinical testing. Allele origin: germline.
Comment: This sequence change replaces proline, which is neutral and non-polar, with arginine, which is basic and polar, at codon 1850 of the DICER1 protein (p.Pro1850Arg). This variant is not present in population databases (gnomAD no frequency). This variant has not been reported in the literature in individuals affected with DICER1-related conditions. Invitae Evidence Modeling of protein sequence and biophysical properties (such as structural, functional, and spatial information, amino acid conservation, physicochemical variation, residue mobility, and thermodynamic stability) indicates that this missense variant is expected to disrupt DICER1 protein function with a positive predictive value of 95%. In summary, the available evidence is currently insufficient to determine the role of this variant in disease. Therefore, it has been classified as a Variant of Uncertain Significance.

NM_177438.3(DICER1):c.5549C>G (p.Pro1850Arg)

Gene: DICER1 (dicer 1, ribonuclease III; minus strand). Cytogenetic location: 14q32.13.
Variant type: single nucleotide variant.
Coding change: c.5549C>G on transcript NM_177438.3 (MANE Select); coding-DNA position 5549, C replaced by G.
Protein change: p.Pro1850Arg; replaces proline 1850 with arginine.
Molecular consequence: missense variant. On other transcripts: non-coding transcript variant (6).
Genome position (GRCh38, 1-based): chr14:95,091,088, G>C on the plus strand (C>G on the coding strand, the complement: DICER1 is on the minus strand). VCF-style: chr14-95091088-G-C. GRCh37 (hg19) VCF-style: chr14-95557425-G-C.
Other names: c.5549C>G, p.Pro1850Arg (NM_001395680.1, NM_001395682.1, NM_001395683.1 and 7 more transcripts); c.5267C>G, p.Pro1756Arg (NM_001395686.1); c.5144C>G, p.Pro1715Arg (NM_001395687.1, NM_001395688.1, NM_001395689.1 and 1 more transcripts); c.4982C>G, p.Pro1661Arg (NM_001395691.1); c.5386C>G, p.Pro1796Ala (NM_001195573.1); c.3866C>G, p.Pro1289Arg (NM_001395697.1); short protein forms P1289R, P1756R, P1796A, P1715R, P1850R, P1661R.
Identifiers: ClinVar variation 4746810 (VCV004746810.1).